The following is an entry in ClinVar:

NM_022436.3(ABCG5):c.121C>G (p.Leu41Val)

Gene: ABCG5 (ATP binding cassette subfamily G member 5; minus strand). Cytogenetic location: 2p21.
Variant type: single nucleotide variant.
Coding change: c.121C>G on transcript NM_022436.3 (MANE Select); coding-DNA position 121, C replaced by G.
Protein change: p.Leu41Val; replaces leucine 41 with valine.
Molecular consequence: missense variant.
Genome position (GRCh38, 1-based): chr2:43,838,559, G>C on the plus strand (C>G on the coding strand, the complement: ABCG5 is on the minus strand). VCF-style: chr2-43838559-G-C. GRCh37 (hg19) VCF-style: chr2-44065698-G-C.
Other names: short protein forms L41V.
Identifiers: ClinVar variation 1312062 (VCV001312062.6), dbSNP rs1030894919, ClinGen allele CA46426095.

ClinVar aggregate classification (germline): Uncertain significance. Review status: criteria provided, multiple submitters, no conflicts (2 of 4 stars). 3 submissions from 3 submitters: Uncertain significance (3). Last evaluated 2025-07-15.

Conditions:
Sitosterolemia (STSL). Also called: PHYTOSTEROLEMIA. Identifiers: Orphanet 2882, MedGen C0342907, MONDO:0008863.
Cardiovascular phenotype. Identifiers: MedGen CN230736.

Allele frequency attached by ClinVar (database versions not stated): gnomAD exomes below 0.00001; gnomAD 0.00001; TOPMed 0.00007.
gnomAD v4.1: 5 of 1,607,340 alleles (0.00031%); highest among the groups gnomAD compares: Admixed American, 0.0017%; no homozygotes.

Submissions (3):

Ambry Genetics
Classification: Uncertain significance for Cardiovascular phenotype. Last evaluated: 2025-07-15. Review status: criteria provided, single submitter. Criteria: Ambry Variant Classification Scheme 2023. Collection method: clinical testing. Allele origin: germline.

Labcorp Genetics (formerly Invitae), Labcorp
Classification: Uncertain significance for Sitosterolemia. Last evaluated: 2023-10-03. Review status: criteria provided, single submitter. Criteria: Invitae Variant Classification Sherloc (09022015). Collection method: clinical testing. Allele origin: germline.
Comment: This sequence change replaces leucine, which is neutral and non-polar, with valine, which is neutral and non-polar, at codon 41 of the ABCG5 protein (p.Leu41Val). This variant is present in population databases (no rsID available, gnomAD 0.007%). This variant has not been reported in the literature in individuals affected with ABCG5-related conditions. ClinVar contains an entry for this variant (Variation ID: 1312062). An algorithm developed to predict the effect of missense changes on protein structure and function (PolyPhen-2) suggests that this variant¬†is likely to be tolerated. In summary, the available evidence is currently insufficient to determine the role of this variant in disease. Therefore, it has been classified as a Variant of Uncertain Significance.

GeneDx
Classification: Uncertain significance. Last evaluated: 2019-09-05. Review status: criteria provided, single submitter. Criteria: GeneDx Variant Classification Process June 2021. Collection method: clinical testing. Allele origin: germline. Affected: yes.
Comment: Not observed at a significant frequency in large population cohorts (Lek et al., 2016); In silico analysis, which includes protein predictors and evolutionary conservation, supports that this variant does not alter protein structure/function; Has not been previously published as pathogenic or benign to our knowledge